The following is an entry in ClinVar:

NM_000264.5(PTCH1):c.3721_3765del (p.Tyr1241_Ile1255del)

Gene: PTCH1 (patched 1; minus strand). Cytogenetic location: 9q22.32.
Variant type: Deletion.
Coding change: c.3721_3765del on transcript NM_000264.5 (MANE Select); coding-DNA positions 3721 to 3765, 45 bases deleted.
Protein change: p.Tyr1241_Ile1255del.
Molecular consequence: inframe deletion. On other transcripts: non-coding transcript variant (1).
Genome position (GRCh38, 1-based): chr9:95,449,108-95,449,152, 45 bases deleted; deleting any 45 consecutive bases within chr9:95,449,108-95,449,153 gives the same sequence; the c. name uses the placement nearest the transcript's 3' end. GRCh37 (hg19): chr9:98,211,391-98,211,435.
Other names: c.3721_3765del (NM_000264.3); c.3523_3567del, p.Tyr1175_Ile1189del (NM_001083602.3); c.3718_3762del, p.Tyr1240_Ile1254del (NM_001083603.3); c.3268_3312del, p.Tyr1090_Ile1104del (NM_001083604.3, NM_001083605.3, NM_001083606.3 and 1 more transcripts); c.3565_3609del, p.Tyr1189_Ile1203del (NM_001354918.2).
Identifiers: ClinVar variation 1429236 (VCV001429236.9), dbSNP rs760239449, ClinGen allele CA5138066.

ClinVar aggregate classification (germline): Uncertain significance. Review status: criteria provided, multiple submitters, no conflicts (2 of 4 stars). 2 submissions from 2 submitters: Uncertain significance (2). Last evaluated 2025-07-30.

Conditions:
Gorlin syndrome. Also called: Nevoid Basal Cell Carcinoma Syndrome; Basal cell nevus syndrome. Identifiers: Orphanet 377, MedGen C0004779, MONDO:0007187.

Submissions (2):

Labcorp Genetics (formerly Invitae), Labcorp
Classification: Uncertain significance for Gorlin syndrome. Last evaluated: 2025-07-30. Review status: criteria provided, single submitter. Criteria: Invitae Variant Classification Sherloc (09022015). Collection method: clinical testing. Allele origin: germline.
Comment: This variant, c.3721_3765del, results in the deletion of 15 amino acid(s) of the PTCH1 protein (p.Tyr1241_Ile1255del), but otherwise preserves the integrity of the reading frame. This variant is present in population databases (rs760239449, gnomAD 0.01%). This variant has not been reported in the literature in individuals affected with PTCH1-related conditions. ClinVar contains an entry for this variant (Variation ID: 1429236). Experimental studies and prediction algorithms are not available or were not evaluated, and the functional significance of this variant is currently unknown. In summary, the available evidence is currently insufficient to determine the role of this variant in disease. Therefore, it has been classified as a Variant of Uncertain Significance.

GeneDx
Classification: Uncertain significance. Last evaluated: 2024-03-20. Review status: criteria provided, single submitter. Criteria: GeneDx Variant Classification Process June 2021. Collection method: clinical testing. Allele origin: germline. Affected: yes.
Comment: In-frame deletion of 15 amino acids in a non-repeat region; In silico analysis supports a deleterious effect on protein structure/function; Has not been previously published as pathogenic or benign to our knowledge